The following is an entry in ClinVar:

NM_000384.3(APOB):c.2047G>T (p.Ala683Ser)

Gene: APOB (apolipoprotein B; minus strand). Cytogenetic location: 2p24.1.
Variant type: single nucleotide variant.
Coding change: c.2047G>T on transcript NM_000384.3 (MANE Select); coding-DNA position 2047, G replaced by T.
Protein change: p.Ala683Ser; replaces alanine 683 with serine.
Molecular consequence: missense variant.
Genome position (GRCh38, 1-based): chr2:21,027,848, C>A on the plus strand (G>T on the coding strand, the complement: APOB is on the minus strand). VCF-style: chr2-21027848-C-A. GRCh37 (hg19) VCF-style: chr2-21250720-C-A.
Other names: short protein forms A683S.
Identifiers: ClinVar variation 700579 (VCV000700579.24), dbSNP rs761947252, ClinGen allele CA055095.

ClinVar aggregate classification (germline): Benign/Likely benign. Review status: criteria provided, multiple submitters, no conflicts (2 of 4 stars). 7 submissions from 7 submitters: Benign (1); Likely benign (5). 1 of the submissions does not count toward it. Last evaluated 2026-08-01.

Conditions:
Cardiovascular phenotype. Identifiers: MedGen CN230736.
Familial hypobetalipoproteinemia 1. Also called: Hypobetalipoproteinemia, normotriglyceridemic; Acanthocytosis with hypobetalipoproteinemia; APOB-Related Familial Hypobetalipoproteinemia. Identifiers: MedGen C4551990, MONDO:0014252, OMIM 615558.
Hypercholesterolemia, autosomal dominant, type B (FHCL2). Also called: HYPERCHOLESTEROLEMIA, FAMILIAL, DUE TO LIGAND-DEFECTIVE APOLIPOPROTEIN B; APOB-Related Familial Hypercholesterolemia, Autosomal Dominant; APOLIPOPROTEIN B-100, FAMILIAL LIGAND-DEFECTIVE; APOLIPOPROTEIN B-100, FAMILIAL DEFECTIVE; Familial Hypercholesterolemia Type B; Hyperlipoproteinemia Type IIb. Identifiers: MedGen C1704417, MONDO:0007751, OMIM 144010.
APOB-related disorder. Also called: APOB-related disorders; APOB-related condition.

Allele frequency attached by ClinVar (database versions not stated): gnomAD 0.00004; TOPMed 0.00012.

Submissions (7):

CeGaT Center for Human Genetics Tuebingen
Classification: Likely benign. Last evaluated: 2026-08-01. Review status: criteria provided, single submitter. Criteria: CeGaT Center For Human Genetics Tuebingen Variant Classification Criteria Version 2. Collection method: clinical testing. Allele origin: germline. Affected: yes. Observed: 4 variant alleles.
Comment: APOB: BP4, BS2

Labcorp Genetics (formerly Invitae), Labcorp
Classification: Likely benign for Familial hypobetalipoproteinemia 1; Hypercholesterolemia, autosomal dominant, type B. Last evaluated: 2026-01-07. Review status: criteria provided, single submitter. Criteria: Invitae Variant Classification Sherloc (09022015). Collection method: clinical testing. Allele origin: germline.

ARUP Laboratories, Molecular Genetics and Genomics, ARUP Laboratories
Classification: Likely benign. Last evaluated: 2023-09-20. Review status: criteria provided, single submitter. Criteria: ARUP Molecular Germline Variant Investigation Process 2024. Collection method: clinical testing. Allele origin: germline.

Ambry Genetics
Classification: Benign for Cardiovascular phenotype. Last evaluated: 2022-04-05. Review status: criteria provided, single submitter. Criteria: Ambry Variant Classification Scheme 2023. Collection method: clinical testing. Allele origin: germline.

Fulgent Genetics
Classification: Likely benign for Hypercholesterolemia, autosomal dominant, type B; Familial hypobetalipoproteinemia 1. Last evaluated: 2021-08-16. Review status: criteria provided, single submitter. Criteria: ACMG Guidelines, 2015. Collection method: clinical testing. Allele origin: unknown.

Breakthrough Genomics
Classification: Likely benign. Review status: criteria provided, single submitter. Criteria: ACMG Guidelines, 2015. Collection method: not provided. Allele origin: germline. Inheritance: Autosomal recessive inheritance. Affected: yes.

PreventionGenetics, part of Exact Sciences
Classification: Likely benign for APOB-related condition. Last evaluated: 2022-04-01. Review status: no assertion criteria provided. Collection method: clinical testing. Allele origin: germline. Not counted in ClinVar's aggregate classification.
Comment: This variant is classified as likely benign based on ACMG/AMP sequence variant interpretation guidelines (Richards et al. 2015 PMID: 25741868, with internal and published modifications).